The following is an entry in ClinVar:

NM_000059.4(BRCA2):c.4274A>G (p.Asp1425Gly)

Gene: BRCA2 (BRCA2 DNA repair associated; plus strand). Cytogenetic location: 13q13.1.
Variant type: single nucleotide variant.
Coding change: c.4274A>G on transcript NM_000059.4 (MANE Select); coding-DNA position 4274, A replaced by G.
Protein change: p.Asp1425Gly; replaces aspartic acid 1425 with glycine.
Molecular consequence: missense variant.
Genome position (GRCh38, 1-based): chr13:32,338,629, A>G. VCF-style: chr13-32338629-A-G. GRCh37 (hg19) VCF-style: chr13-32912766-A-G.
Other names: 4502A>G; short protein forms D1425G.
Identifiers: ClinVar variation 91818 (VCV000091818.27), dbSNP rs398122780, ClinGen allele CA019888.
Genomic context (GRCh38, chr13:32,338,629, plus strand): 5'-ATAAAGAACAGTTAACTGCTACTAAAACGGAGCAAAATATAAAAGATTTTGAGACTTCTG[A>G]TACATTTTTTCAGACTGCAAGTGGGAAAAATATTAGTGTCGCCAAAGAGTCATTTAATAA-3'
Protein context (NP_000050.3, residues 1415-1435): EQNIKDFETS[Asp1425Gly]TFFQTASGKN

ClinVar aggregate classification (germline): Conflicting classifications of pathogenicity. Review status: criteria provided, conflicting classifications (1 of 4 stars). 10 submissions from 10 submitters: Uncertain significance (8); Likely benign (1). 1 of the submissions does not count toward it. Last evaluated 2026-06-24.

Conditions:
Hereditary breast ovarian cancer syndrome. Also called: Hereditary breast and/or ovarian cancer syndrome; Hereditary breast and ovarian cancer syndrome; Hereditary breast and ovarian cancer syndrome (HBOC); Hereditary breast and ovarian cancer; Breast and ovarian cancer; BRCA1- and BRCA2-Associated Hereditary Breast and Ovarian Cancer. Identifiers: Orphanet 145, MedGen C0677776, MeSH D061325, MONDO:0003582. Disease mechanism: loss of function.
Hereditary cancer-predisposing syndrome. Also called: Hereditary Cancer Syndrome; Tumor predisposition; Hereditary neoplastic syndrome; Neoplastic Syndromes, Hereditary. Identifiers: Orphanet 140162, MedGen C0027672, MeSH D009386, MONDO:0015356.
Breast-ovarian cancer, familial, susceptibility to, 2 (BROVCA2). Also called: BRCA2 Hereditary Breast and Ovarian Cancer. Identifiers: Orphanet 145, MedGen C2675520, MONDO:0012933, OMIM 612555. Disease mechanism: loss of function.

Allele frequency attached by ClinVar (database versions not stated): gnomAD exomes below 0.00001.
gnomAD v4.1: 2 of 1,598,742 alleles (0.00013%); highest among the groups gnomAD compares: Admixed American, 0.0034%; no homozygotes.

Submissions (10):

Institute for Biomarker Research, Medical Diagnostic Laboratories, L.L.C.
Classification: Uncertain significance for Hereditary breast ovarian cancer syndrome. Last evaluated: 2026-06-24. Review status: criteria provided, single submitter. Criteria: ACMG Guidelines, 2015. Collection method: clinical testing. Allele origin: germline.
Comment: The missense variant NM_000059.4(BRCA2):c.4274A>G (p.Asp1425Gly) is not currently classified as pathogenic in clinical sources (Accession: VCV000091818.26). The p.Asp1425Gly variant is observed in 1/33,466 (0.003%) alleles from individuals of gnomAD Latino background in gnomAD All. The p.Asp1425Gly variant is novel (not in any individuals) in 1kG All. There is a moderate physicochemical difference between aspartic acid and glycine. The p.Asp1425Gly variant is predicted to introduce a novel donor splice site at this position by 3 of 4 splice site algorithms, but is not expected to disrupt the reading frame. For these reasons, this variant has been classified as Uncertain Significance.

Labcorp Genetics (formerly Invitae), Labcorp
Classification: Uncertain significance for Hereditary breast ovarian cancer syndrome. Last evaluated: 2026-01-12. Review status: criteria provided, single submitter. Criteria: Invitae Variant Classification Sherloc (09022015). Collection method: clinical testing. Allele origin: germline.
Comment: This sequence change replaces aspartic acid, which is acidic and polar, with glycine, which is neutral and non-polar, at codon 1425 of the BRCA2 protein (p.Asp1425Gly). This variant is present in population databases (rs398122780, gnomAD 0.003%). This variant has not been reported in the literature in individuals affected with BRCA2-related conditions. ClinVar contains an entry for this variant (Variation ID: 91818). Invitae Evidence Modeling of protein sequence and biophysical properties (such as structural, functional, and spatial information, amino acid conservation, physicochemical variation, residue mobility, and thermodynamic stability) indicates that this missense variant is not expected to disrupt BRCA2 protein function with a negative predictive value of 95%. In summary, the available evidence is currently insufficient to determine the role of this variant in disease. Therefore, it has been classified as a Variant of Uncertain Significance.

Women's Health and Genetics/Laboratory Corporation of America, LabCorp
Classification: Uncertain significance. Last evaluated: 2024-11-21. Review status: criteria provided, single submitter. Criteria: LabCorp Variant Classification Summary - May 2015. Collection method: clinical testing. Allele origin: germline.
Comment: Variant summary: BRCA2 c.4274A>G (p.Asp1425Gly) results in a non-conservative amino acid change located in the third BRCA2 repeat (BRC3, amino acids 1421-1455; IPR002093) of the encoded protein sequence. Four of five in-silico tools predict a benign effect of the variant on protein function. The variant allele was found at a frequency of 4.1e-06 in 244880 control chromosomes (gnomAD v2.1). The available data on variant occurrences in the general population are insufficient to allow any conclusion about variant significance. In a large study evaluating breast cancer cases and controls in the Breast Cancer Association Consortium (BCAC), the variant was reported in 1/60466 cases, but was also found in 1/53461 controls (Dorling_2021, reported through LOVD). These report(s) do not provide unequivocal conclusions about association of the variant with Hereditary Breast And Ovarian Cancer Syndrome. To our knowledge, no experimental evidence demonstrating an impact on protein function has been reported. The following publication have been ascertained in the context of this evaluation (PMID: 33471991). ClinVar contains an entry for this variant (Variation ID: 91818). Based on the evidence outlined above, the variant was classified as uncertain significance.

Ambry Genetics
Classification: Uncertain significance for Hereditary cancer-predisposing syndrome. Last evaluated: 2023-12-28. Review status: criteria provided, single submitter. Criteria: Ambry Variant Classification Scheme 2023. Collection method: clinical testing. Allele origin: germline.
Comment: The p.D1425G variant (also known as c.4274A>G), located in coding exon 10 of the BRCA2 gene, results from an A to G substitution at nucleotide position 4274. The aspartic acid at codon 1425 is replaced by glycine, an amino acid with similar properties. This amino acid position is poorly conserved in available vertebrate species. In addition, this alteration is predicted to be tolerated by in silico analysis. Since supporting evidence is limited at this time, the clinical significance of this alteration remains unclear.

GeneDx
Classification: Uncertain significance. Last evaluated: 2023-12-19. Review status: criteria provided, single submitter. Criteria: GeneDx Variant Classification Process June 2021. Collection method: clinical testing. Allele origin: germline. Affected: yes.
Comment: Not observed at significant frequency in large population cohorts (gnomAD); In silico analysis supports that this missense variant has a deleterious effect on protein structure/function; Has not been previously published as pathogenic or benign to our knowledge; Also known as 4502A>G; This variant is associated with the following publications: (PMID: 29884841, 32377563)

All of Us Research Program, National Institutes of Health
Classification: Uncertain significance for Breast-ovarian cancer, familial, susceptibility to, 2. Last evaluated: 2023-07-10. Review status: criteria provided, single submitter. Criteria: ACMG Guidelines, 2015. Collection method: clinical testing. Allele origin: germline. Inheritance: Autosomal dominant inheritance. Observed: 1 variant allele, 1 heterozygote.
Comment: This missense variant replaces aspartic acid with glycine at codon 1425 of the BRCA2 protein. Computational prediction suggests that this variant may not impact protein structure and function (internally defined REVEL score threshold <= 0.5, PMID: 27666373). To our knowledge, functional studies have not been reported for this variant. This variant has been detected in a breast cancer case-control meta-analysis in 1/60465 cases and 1/53460 unaffected individuals (PMID: 33471991; Leiden Open Variation Database DB-ID BRCA2_008183). This variant has been identified in 1/244880 chromosomes in the general population by the Genome Aggregation Database (gnomAD). The available evidence is insufficient to determine the role of this variant in disease conclusively. Therefore, this variant is classified as a Variant of Uncertain Significance.

This study involves interpretation of variants in research participants for the purpose of population health screening. Participant phenotype was not available at the time of variant classification. Additional details can be found in publication PMID: 35346344, PMCID: PMC8962531

Color Diagnostics, LLC DBA Color Health
Classification: Uncertain significance for Hereditary cancer-predisposing syndrome. Last evaluated: 2023-06-22. Review status: criteria provided, single submitter. Criteria: ACMG Guidelines, 2015. Collection method: clinical testing. Allele origin: germline.
Comment: This missense variant replaces aspartic acid with glycine at codon 1425 of the BRCA2 protein. Computational prediction suggests that this variant may not impact protein structure and function (internally defined REVEL score threshold <= 0.5, PMID: 27666373). To our knowledge, functional studies have not been reported for this variant. This variant has been detected in a breast cancer case-control meta-analysis in 1/60465 cases and 1/53460 unaffected individuals (PMID: 33471991; Leiden Open Variation Database DB-ID BRCA2_008183). This variant has been identified in 1/244880 chromosomes in the general population by the Genome Aggregation Database (gnomAD). The available evidence is insufficient to determine the role of this variant in disease conclusively. Therefore, this variant is classified as a Variant of Uncertain Significance.

University of Washington Department of Laboratory Medicine, University of Washington
Classification: Likely benign for Hereditary cancer-predisposing syndrome. Last evaluated: 2023-03-23. Review status: criteria provided, single submitter. Criteria: Dines et al. (Genet Med. 2020). Collection method: curation. Allele origin: germline.
Comment: Missense variant in a coldspot region where missense variants are very unlikely to be pathogenic (PMID:31911673).

BRCA2 exon 11 coldspot. Reclassification based on statistical prior probability.

Quest Diagnostics Nichols Institute San Juan Capistrano
Classification: Uncertain significance. Last evaluated: 2021-02-26. Review status: criteria provided, single submitter. Criteria: Quest Diagnostics criteria. Collection method: clinical testing. Allele origin: unknown.

Sharing Clinical Reports Project (SCRP)
Classification: Uncertain significance for Breast-ovarian cancer, familial 2. Last evaluated: 2011-11-07. Review status: no assertion criteria provided. Collection method: clinical testing. Allele origin: germline. Not counted in ClinVar's aggregate classification.

Literature cited by the submitters: PubMed 33471991 (cited by 3 submitters).